The following is an entry in ClinVar:

ClinVar aggregate classification (germline): Pathogenic/Likely pathogenic. Review status: criteria provided, multiple submitters, no conflicts (2 of 4 stars). 3 submissions from 3 submitters: Pathogenic (1); Likely pathogenic (1). 1 of the submissions does not count toward it. Last evaluated 2024-09-19.

Conditions:
Osteogenesis imperfecta (OI). Identifiers: Orphanet 666, MedGen C0029434, MeSH D010013, MONDO:0019019.
Osteogenesis imperfecta type I (OI1). Also called: OI, TYPE I; OSTEOGENESIS IMPERFECTA TARDA; OSTEOGENESIS IMPERFECTA WITH BLUE SCLERAE; Osteogenesis imperfecta type 1; Lobstein's Disease; Lobstein disease. Identifiers: Orphanet 216796, Orphanet 666, MedGen C0023931, MONDO:0008146, OMIM 166200. Disease mechanism: loss of function.
COL1A1-related disorder. Also called: COL1A1-related condition; COL1A1- related disease.

Submissions (3):

Women's Health and Genetics/Laboratory Corporation of America, LabCorp
Classification: Pathogenic for Osteogenesis imperfecta. Last evaluated: 2024-09-19. Review status: criteria provided, single submitter. Criteria: LabCorp Variant Classification Summary - May 2015. Collection method: clinical testing. Allele origin: germline.
Comment: Variant summary: COL1A1 c.4237G>A (p.Asp1413Asn) results in a conservative amino acid change located in the highly conserved C-terminal non-collagenous domain, also named as C-propeptide (IPR000885). Four of five in-silico tools predict a damaging effect of the variant on protein function. The variant was absent in 250774 control chromosomes. c.4237G>A has been reported in the literature in multiple individuals affected with a severe form of Osteogenesis Imperfecta (Pollitt_2006, Barnes_2019, Bodian_2009, Bardai_2016, Tuysuz_2022, including a de novo internal LCA patient). These data indicate that the variant is very likely to be associated with disease. One publication also reported experimental evidence evaluating an impact on protein function, and demonstrated intracellular mislocalization, and delayed collagen assembly (Barnes_2019). The following publications have been ascertained in the context of this evaluation (PMID: 16786509, 31055083, 18996919, 27509835, 34902613). ClinVar contains an entry for this variant (Variation ID: 949210). Based on the evidence outlined above, the variant was classified as pathogenic.

Labcorp Genetics (formerly Invitae), Labcorp
Classification: Likely pathogenic for Osteogenesis imperfecta type I. Last evaluated: 2019-06-05. Review status: criteria provided, single submitter. Criteria: Invitae Variant Classification Sherloc (09022015). Collection method: clinical testing. Allele origin: germline.
Comment: This sequence change replaces aspartic acid with asparagine at codon 1413 of the COL1A1 protein (p.Asp1413Asn). The aspartic acid residue is highly conserved and there is a small physicochemical difference between aspartic acid and asparagine. This variant is not present in population databases (ExAC no frequency). This variant has been observed in individuals with osteogenesis imperfecta type 2 and type 3 (PMID: 16786509, 27509835, 29150909, 18996919). Algorithms developed to predict the effect of missense changes on protein structure and function are either unavailable or do not agree on the potential impact of this missense change (SIFT: "Deleterious"; PolyPhen-2: "Probably Damaging"; Align-GVGD: "Class C0"). The observation of one or more missense substitutions at this codon (p.Asp1413Asn and p.Asp1413Glu) in affected individuals suggests that this may be a clinically significant residue (PMID: 27509835, 16786509, 26177859, 28498836). In summary, the currently available evidence indicates that the variant is pathogenic, but additional data are needed to prove that conclusively. Therefore, this variant has been classified as Likely Pathogenic.

PreventionGenetics, part of Exact Sciences
Classification: Likely pathogenic for COL1A1-related condition. Last evaluated: 2023-12-29. Review status: no assertion criteria provided. Collection method: clinical testing. Allele origin: germline. Not counted in ClinVar's aggregate classification.
Comment: The COL1A1 c.4237G>A variant is predicted to result in the amino acid substitution p.Asp1413Asn. This variant has been reported in multiple patients with severe forms of osteogenesis imperfecta (Table S1, Bardai et al. 2016. PubMed ID: 27509835, Barnes et al. 2019. PubMed ID: 31055083, Bodian et al. 2009. PubMed ID: 18996919, Essawi et al. 2018. PubMed ID: 29150909). Functional characterization using in vitro cell lines and patient’s fibroblasts suggests that this variant is deleterious (Barnes. 2019. PubMed ID: 31055083). Another missense variant affecting this amino acid has been reported, de novo, in one patient with COL1A1-related osteogenesis imperfecta (p.Asp1413Glu, Lindahl. 2015. PubMed ID: 26177859). The c.4237G>A (p.Asp1413Asn) variant has not been reported in a large population database, indicating this variant is rare. The c.4237G>A (p.Asp1413Asn) variant is interpreted as likely pathogenic.

Literature cited by the submitters: PubMed 16786509 (cited by Women's Health and Genetics/Laboratory Corporation of America, LabCorp and Labcorp Genetics (formerly Invitae), Labcorp); PubMed 18996919 (cited by Women's Health and Genetics/Laboratory Corporation of America, LabCorp and Labcorp Genetics (formerly Invitae), Labcorp); PubMed 27509835 (cited by Women's Health and Genetics/Laboratory Corporation of America, LabCorp and Labcorp Genetics (formerly Invitae), Labcorp); PubMed 31055083 (cited by Women's Health and Genetics/Laboratory Corporation of America, LabCorp); PubMed 34902613 (cited by Women's Health and Genetics/Laboratory Corporation of America, LabCorp); PubMed 29150909 (cited by Labcorp Genetics (formerly Invitae), Labcorp); PubMed 26177859 (cited by Labcorp Genetics (formerly Invitae), Labcorp); PubMed 28498836 (cited by Labcorp Genetics (formerly Invitae), Labcorp).

NM_000088.4(COL1A1):c.4237G>A (p.Asp1413Asn)

Gene: COL1A1 (collagen type I alpha 1 chain; minus strand). Cytogenetic location: 17q21.33.
Variant type: single nucleotide variant.
Coding change: c.4237G>A on transcript NM_000088.4 (MANE Select); coding-DNA position 4237, G replaced by A.
Protein change: p.Asp1413Asn; replaces aspartic acid 1413 with asparagine.
Molecular consequence: missense variant.
Genome position (GRCh38, 1-based): chr17:50,185,789, C>T on the plus strand (G>A on the coding strand, the complement: COL1A1 is on the minus strand). VCF-style: chr17-50185789-C-T. GRCh37 (hg19) VCF-style: chr17-48263150-C-T.
Other names: short protein forms D1413N.
Identifiers: ClinVar variation 949210 (VCV000949210.13), dbSNP rs72656349, ClinGen allele CA291542789.
Genomic context (GRCh38, chr17:50,185,789, plus strand): 5'-GCCCAAGGCCGGAGAGGTGGGGCCCTGCCTGGGGATTCTGGGCACTCACCGTGCAGCCAT[C>T]GACAGTGACGCTGTAGGTGAAGCGGCTGTTGCCCTCGGCGCGGATCTCGATCTCGTTGGA-3'
Protein context (NP_000079.2, residues 1403-1423): NSRFTYSVTV[Asp1413Asn]GCTSHTGAWG